The following is an entry in ClinVar:

NM_206933.4(USH2A):c.13832C>G (p.Ala4611Gly)

Gene: USH2A (usherin; minus strand). Cytogenetic location: 1q41.
Variant type: single nucleotide variant.
Coding change: c.13832C>G on transcript NM_206933.4 (MANE Select); coding-DNA position 13832, C replaced by G.
Protein change: p.Ala4611Gly; replaces alanine 4611 with glycine.
Molecular consequence: missense variant.
Genome position (GRCh38, 1-based): chr1:215,671,273, G>C on the plus strand (C>G on the coding strand, the complement: USH2A is on the minus strand). VCF-style: chr1-215671273-G-C. GRCh37 (hg19) VCF-style: chr1-215844615-G-C.
Other names: short protein forms A4611G.
Identifiers: ClinVar variation 424484 (VCV000424484.2), dbSNP rs376077079, ClinGen allele CA16617053.

ClinVar aggregate classification (germline): Uncertain significance (1 of 4 stars; one submission).

gnomAD v4.1: 5 of 1,613,944 alleles (0.00031%); highest among the groups gnomAD compares: Non-Finnish European, 0.00042%; no homozygotes.

Submission:

GeneDx
Classification: Uncertain significance. Last evaluated: 2017-03-20. Review status: criteria provided, single submitter. Criteria: GeneDx Variant Classification (06012015). Collection method: clinical testing. Allele origin: germline. Affected: yes.
Comment: The A4611G variant in the USH2A gene has not been reported previously as a pathogenic variant, nor as a benign variant, to our knowledge. The A4611G variant is not observed in large population cohorts (Lek et al., 2016; 1000 Genomes Consortium et al., 2015; Exome Variant Server). The A4611G variant is a conservative amino acid substitution, which is not likely to impact secondary protein structure as these residues share similar properties. This substitution occurs at a position that is conserved across species. In silico analysis is inconsistent in its predictions as to whether or not the variant is damaging to the protein structure/function. A missense variant in the same residue (A4611V) has been reported in an individual with type II Usher syndrome, supporting the functional importance of this region of the protein, although, A4611V was reported in cis with a second USH2A gene variant and it is unknown if this individual also harbored a variant in trans on their second USH2A allele (Nakanishi et al., 2009). We interpret A4611G as a variant of uncertain significance.